The following is an entry in ClinVar:

NM_020884.7(MYH7B):c.3540del (p.Arg1180fs)

Gene: MYH7B (myosin heavy chain 7B; plus strand). Cytogenetic location: 20q11.22.
Variant type: Deletion.
Coding change: c.3540del on transcript NM_020884.7 (MANE Select); coding-DNA position 3540, one base deleted (G; older notation c.3540delG).
Protein change: p.Arg1180fs; shifts the reading frame from arginine 1180.
Molecular consequence: frameshift variant.
Genome position (GRCh38, 1-based): chr20:34,997,433, G deleted; the last of 2 consecutive G bases (chr20:34,997,432-34,997,433); deleting either gives the same sequence. VCF-style (leftmost placement, unchanged base first): chr20-34997431-AG-A. GRCh37 (hg19) VCF-style: chr20-33585234-AG-A.
Other names: short protein forms R1180fs.
Identifiers: ClinVar variation 3656158 (VCV003656158.2).

ClinVar aggregate classification (germline): Uncertain significance (1 of 4 stars; one submission).

Submission:

Labcorp Genetics (formerly Invitae), Labcorp
Classification: Uncertain significance. Last evaluated: 2024-07-03. Review status: criteria provided, single submitter. Criteria: Invitae Variant Classification Sherloc (09022015). Collection method: clinical testing. Allele origin: germline.
Comment: This sequence change creates a premature translational stop signal (p.Arg1222Serfs*66) in the MYH7B gene. It is expected to result in an absent or disrupted protein product. However, the current clinical and genetic evidence is not sufficient to establish whether loss-of-function variants in MYH7B cause disease. This variant is not present in population databases (gnomAD no frequency). This variant has not been reported in the literature in individuals affected with MYH7B-related conditions. In summary, the available evidence is currently insufficient to determine the role of this variant in disease. Therefore, it has been classified as a Variant of Uncertain Significance.